The following is an entry in ClinVar:

ClinVar aggregate classification (germline): Conflicting classifications of pathogenicity. Review status: criteria provided, conflicting classifications (1 of 4 stars). 4 submissions from 4 submitters: Uncertain significance (1); Benign (1); Likely benign (1). 1 of the submissions does not count toward it. Last evaluated 2025-08-13.

Conditions:
Muscular dystrophy, congenital, with cataracts and impaired intellectual development. Also called: Congenital muscular dystrophy with cataracts and intellectual disability. Identifiers: Orphanet 662184, MedGen C4479410, MONDO:0024607, OMIM 617404.
Inborn genetic diseases. Identifiers: MedGen C0950123, MeSH D030342.
INPP5K-related disorder. Also called: INPP5K-related condition.

Allele frequency attached by ClinVar (database versions not stated): TOPMed 0.00218; gnomAD exomes 0.00019 and 0.00063; ExAC 0.00079; gnomAD 0.00198 and 0.00211; 1000 Genomes Project 0.00339; 1000 Genomes Project 30x 0.00359; ESP Exome Variant Server 0.00254.
gnomAD v4.1: 584 of 1,614,030 alleles (0.036%); highest among the groups gnomAD compares: African/African-American, 0.72%; 1 homozygote.

Submissions (4):

Ambry Genetics
Classification: Likely benign for Inborn genetic diseases. Last evaluated: 2025-08-13. Review status: criteria provided, single submitter. Criteria: Ambry Variant Classification Scheme 2023. Collection method: clinical testing. Allele origin: germline.

Revvity Omics, Revvity
Classification: Uncertain significance for Muscular dystrophy, congenital, with cataracts and impaired intellectual development. Last evaluated: 2025-04-04. Review status: criteria provided, single submitter. Criteria: ACMG Guidelines, 2015. Collection method: clinical testing. Allele origin: germline.

Labcorp Genetics (formerly Invitae), Labcorp
Classification: Benign. Last evaluated: 2018-11-26. Review status: criteria provided, single submitter. Criteria: Invitae Variant Classification Sherloc (09022015). Collection method: clinical testing. Allele origin: germline.

PreventionGenetics, part of Exact Sciences
Classification: Benign for INPP5K-related condition. Last evaluated: 2019-03-21. Review status: no assertion criteria provided. Collection method: clinical testing. Allele origin: germline. Not counted in ClinVar's aggregate classification.
Comment: This variant is classified as benign based on ACMG/AMP sequence variant interpretation guidelines (Richards et al. 2015 PMID: 25741868, with internal and published modifications).

NM_016532.4(INPP5K):c.427G>A (p.Val143Ile)

Gene: INPP5K (inositol polyphosphate-5-phosphatase K; minus strand). Cytogenetic location: 17p13.3.
Variant type: single nucleotide variant.
Coding change: c.427G>A on transcript NM_016532.4 (MANE Select); coding-DNA position 427, G replaced by A.
Protein change: p.Val143Ile; replaces valine 143 with isoleucine.
Molecular consequence: missense variant.
Genome position (GRCh38, 1-based): chr17:1,509,305, C>T on the plus strand (G>A on the coding strand, the complement: INPP5K is on the minus strand). VCF-style: chr17-1509305-C-T. GRCh37 (hg19) VCF-style: chr17-1412599-C-T.
Other names: c.199G>A, p.Val67Ile (NM_001135642.2, NM_130766.3); short protein forms V143I, V67I.
Identifiers: ClinVar variation 729199 (VCV000729199.7), dbSNP rs147375994, ClinGen allele CA8268600.